The following is an entry in ClinVar:

NM_017721.5(CC2D1A):c.834dup (p.Asp279fs)

Gene: CC2D1A (coiled-coil and C2 domain containing 1A; plus strand). Cytogenetic location: 19p13.12.
Variant type: Duplication.
Coding change: c.834dup on transcript NM_017721.5 (MANE Select); coding-DNA position 834, one base duplicated (A; older notation c.834dupA).
Protein change: p.Asp279fs; shifts the reading frame from aspartic acid 279.
Molecular consequence: frameshift variant.
Genome position (GRCh38, 1-based): chr19:13,918,155, A duplicated. VCF-style (leftmost placement, unchanged base first): chr19-13918154-G-GA. GRCh37 (hg19) VCF-style: chr19-14028967-G-GA.
Other names: c.834dup, p.Asp279fs (NM_001411138.1); short protein forms D279fs.
Identifiers: ClinVar variation 5005939 (VCV005005939.2).

ClinVar aggregate classification (germline): Likely pathogenic (1 of 4 stars; one submission).

Conditions:
Intellectual developmental disorder, autosomal recessive 3. Also called: Intellectual disability, autosomal recessive 3. Identifiers: Orphanet 88616, MedGen C1838023, MONDO:0012037, OMIM 608443.

Submission:

Juno Genomics, Hangzhou Juno Genomics, Inc
Classification: Likely pathogenic for Intellectual developmental disorder, autosomal recessive 3. Review status: criteria provided, single submitter. Criteria: ACMG Guidelines, 2015. Collection method: clinical testing. Allele origin: germline.
Comment: Null variant in a gene where loss of function (LOF) is a known mechanism of disease.;Absent from controls (or at extremely low frequency if recessive) in Genome Aggregation Database.